The following is an entry in ClinVar:

NM_024996.7(GFM1):c.2125-11del

Gene: GFM1 (G elongation factor mitochondrial 1; plus strand). Cytogenetic location: 3q25.32.
Variant type: Deletion.
Coding change: c.2125-11del on transcript NM_024996.7 (MANE Select); 11 bases into the intron before coding-DNA position 2125, one base deleted (T; older notation c.2125-11delT).
Molecular consequence: intron variant.
Genome position (GRCh38, 1-based): chr3:158,691,325, T deleted; the last of 8 consecutive T bases (chr3:158,691,318-158,691,325); deleting any one gives the same sequence. VCF-style (leftmost placement, unchanged base first): chr3-158691317-CT-C. GRCh37 (hg19) VCF-style: chr3-158409106-CT-C.
Other names: c.2182-11del (NM_001308164.2); c.1900-11del (NM_001374357.1); c.2044-11del (NM_001374355.1); c.2008-11del (NM_001374356.1); c.1558-11del (NM_001374359.1); c.1504-11del (NM_001374360.1); c.1441-11del (NM_001374361.1); c.1666-11del (NM_001374358.1); and 1 more.
Identifiers: ClinVar variation 511063 (VCV000511063.1), dbSNP rs747030381, ClinGen allele CA547390377.
Genomic context (GRCh38, chr3:158,691,317, plus strand): 5'-GACCTTGTATGACTTTTACTTGATAGTTTAAAAAACAAACAAACAAACAAAAAACCCTCT[CT>C]TTTTTTTAAATCCCTAGGGAAAGGGAGAATACACAATGGAGTATAGCAGGTATCAGCCAT-3'

ClinVar aggregate classification (germline): Likely benign (1 of 4 stars; one submission).

Submission:

GeneDx
Classification: Likely benign. Last evaluated: 2017-08-11. Review status: criteria provided, single submitter. Criteria: GeneDx Variant Classification (06012015). Collection method: clinical testing. Allele origin: germline. Affected: yes.
Comment: This variant is considered likely benign or benign based on one or more of the following criteria: it is a conservative change, it occurs at a poorly conserved position in the protein, it is predicted to be benign by multiple in silico algorithms, and/or has population frequency not consistent with disease.